The following is an entry in ClinVar:

ClinVar aggregate classification (germline): Benign (1 of 4 stars; one submission).

Allele frequency attached by ClinVar (database versions not stated): gnomAD exomes 0.00055; ExAC 0.00219; TOPMed 0.00592; gnomAD 0.00562 and 0.00503; 1000 Genomes Project 0.00280; 1000 Genomes Project 30x 0.00281.
gnomAD v4.1: 1,381 of 1,461,992 alleles (0.094%); highest among the groups gnomAD compares: African/African-American, 1.8%; 16 homozygotes.

Submission:

GeneDx
Classification: Benign. Last evaluated: 2016-03-29. Review status: criteria provided, single submitter. Criteria: GeneDx Variant Classification (06012015). Collection method: clinical testing. Allele origin: germline. Affected: yes.
Comment: This variant is considered likely benign or benign based on one or more of the following criteria: it is a conservative change, it occurs at a poorly conserved position in the protein, it is predicted to be benign by multiple in silico algorithms, and/or has population frequency not consistent with disease.

NM_004408.4(DNM1):c.-17C>A

Genes: CIZ1 (CDKN1A interacting zinc finger protein 1; minus strand), DNM1 (dynamin 1; plus strand). Cytogenetic location: 9q34.11.
Variant type: single nucleotide variant.
Coding change: c.-17C>A on transcript NM_004408.4 (MANE Select); 17 bases upstream of the start codon, C replaced by A.
Molecular consequence: 5 prime UTR variant. On other transcripts: intron variant (2).
Genome position (GRCh38, 1-based): chr9:128,203,454, C>A. VCF-style: chr9-128203454-C-A. GRCh37 (hg19) VCF-style: chr9-130965733-C-A.
Other names: c.-17C>A (NM_001005336.3, NM_001288737.2, NM_001288738.2 and 2 more transcripts); c.-6+732G>T (NM_001131015.2, NM_012127.3).
Identifiers: ClinVar variation 384406 (VCV000384406.3), dbSNP rs368835504, ClinGen allele CA5257715.